The following is an entry in ClinVar:

ClinVar aggregate classification (germline): Uncertain significance (1 of 4 stars; one submission).

Allele frequency attached by ClinVar (database versions not stated): gnomAD 0.00002; TOPMed 0.00003.
gnomAD v4.1: 24 of 1,613,924 alleles (0.0015%); highest among the groups gnomAD compares: Admixed American, 0.0033%; no homozygotes.

Submission:

Labcorp Genetics (formerly Invitae), Labcorp
Classification: Uncertain significance. Last evaluated: 2024-12-04. Review status: criteria provided, single submitter. Criteria: Invitae Variant Classification Sherloc (09022015). Collection method: clinical testing. Allele origin: germline.
Comment: This sequence change replaces valine, which is neutral and non-polar, with phenylalanine, which is neutral and non-polar, at codon 428 of the SLCO2A1 protein (p.Val428Phe). This variant is present in population databases (rs750150056, gnomAD 0.02%). This variant has not been reported in the literature in individuals affected with SLCO2A1-related conditions. ClinVar contains an entry for this variant (Variation ID: 2420013). Invitae Evidence Modeling of protein sequence and biophysical properties (such as structural, functional, and spatial information, amino acid conservation, physicochemical variation, residue mobility, and thermodynamic stability) has been performed for this missense variant. However, the output from this modeling did not meet the statistical confidence thresholds required to predict the impact of this variant on SLCO2A1 protein function. In summary, the available evidence is currently insufficient to determine the role of this variant in disease. Therefore, it has been classified as a Variant of Uncertain Significance.

NM_005630.3(SLCO2A1):c.1282G>T (p.Val428Phe)

Gene: SLCO2A1 (solute carrier organic anion transporter family member 2A1; minus strand). Cytogenetic location: 3q22.1.
Variant type: single nucleotide variant.
Coding change: c.1282G>T on transcript NM_005630.3 (MANE Select); coding-DNA position 1282, G replaced by T.
Protein change: p.Val428Phe; replaces valine 428 with phenylalanine.
Molecular consequence: missense variant.
Genome position (GRCh38, 1-based): chr3:133,947,269, C>A on the plus strand (G>T on the coding strand, the complement: SLCO2A1 is on the minus strand). VCF-style: chr3-133947269-C-A. GRCh37 (hg19) VCF-style: chr3-133666113-C-A.
Other names: short protein forms V428F.
Identifiers: ClinVar variation 2420013 (VCV002420013.5), dbSNP rs750150056, ClinGen allele CA2626530.